The following is an entry in ClinVar:

NM_000554.6(CRX):c.606C>A (p.Cys202Ter)

Gene: CRX (cone-rod homeobox; plus strand). Cytogenetic location: 19q13.33.
Variant type: single nucleotide variant.
Coding change: c.606C>A on transcript NM_000554.6 (MANE Select); coding-DNA position 606, C replaced by A.
Protein change: p.Cys202Ter; replaces cysteine 202 with a stop codon.
Molecular consequence: nonsense.
Genome position (GRCh38, 1-based): chr19:47,839,673, C>A. VCF-style: chr19-47839673-C-A. GRCh37 (hg19) VCF-style: chr19-48342930-C-A.
Other names: short protein forms C202*.
Identifiers: ClinVar variation 2929028 (VCV002929028.3), dbSNP rs764877352, ClinGen allele CA406631242.

ClinVar aggregate classification (germline): Pathogenic (1 of 4 stars; one submission).

Conditions:
Cone-rod dystrophy 2 (CORD2). Also called: CONE-ROD RETINAL DYSTROPHY; Cone-rod retinal dystrophy 2. Identifiers: Orphanet 1872, MedGen C3489532, MONDO:0007362, OMIM 120970.
Leber congenital amaurosis 7 (LCA7). Identifiers: Orphanet 65, MedGen C3151192, MONDO:0013449, OMIM 613829.

Submission:

Labcorp Genetics (formerly Invitae), Labcorp
Classification: Pathogenic for Cone-rod dystrophy 2; Leber congenital amaurosis 7. Last evaluated: 2024-01-18. Review status: criteria provided, single submitter. Criteria: Invitae Variant Classification Sherloc (09022015). Collection method: clinical testing. Allele origin: germline.
Comment: This sequence change creates a premature translational stop signal (p.Cys202*) in the CRX gene. While this is not anticipated to result in nonsense mediated decay, it is expected to disrupt the last 98 amino acid(s) of the CRX protein. This variant is not present in population databases (gnomAD no frequency). This variant has not been reported in the literature in individuals affected with CRX-related conditions. This variant disrupts a region of the CRX protein in which other variant(s) (p.Gln256*) have been determined to be pathogenic (PMID: 26682157, 28945142; Invitae). This suggests that this is a clinically significant region of the protein, and that variants that disrupt it are likely to be disease-causing. For these reasons, this variant has been classified as Pathogenic.

Literature cited by the submitters: PubMed 26682157; PubMed 28945142.